The following is an entry in ClinVar:

ClinVar aggregate classification (germline): Uncertain significance (1 of 4 stars; one submission).

Conditions:
MHC class II deficiency. Also called: Bare lymphocyte syndrome 2; BLS, TYPE II. Identifiers: Orphanet 572, MedGen C5447452, MONDO:0008855.

Allele frequency attached by ClinVar (database versions not stated): gnomAD 0.00001; gnomAD exomes 0.00001 and 0.00003; TOPMed 0.00001; ExAC 0.00002; ESP Exome Variant Server 0.00008.
gnomAD v4.1: 20 of 1,613,954 alleles (0.0012%); highest among the groups gnomAD compares: Admixed American, 0.01%; no homozygotes.

Submission:

Labcorp Genetics (formerly Invitae), Labcorp
Classification: Uncertain significance for MHC class II deficiency. Last evaluated: 2022-08-18. Review status: criteria provided, single submitter. Criteria: Invitae Variant Classification Sherloc (09022015). Collection method: clinical testing. Allele origin: germline.
Comment: This sequence change replaces arginine, which is basic and polar, with glutamine, which is neutral and polar, at codon 1097 of the CIITA protein (p.Arg1097Gln). This variant is present in population databases (rs143260110, gnomAD 0.01%). This variant has not been reported in the literature in individuals affected with CIITA-related conditions. ClinVar contains an entry for this variant (Variation ID: 1370683). Algorithms developed to predict the effect of missense changes on protein structure and function output the following: SIFT: "Tolerated"; PolyPhen-2: "Benign"; Align-GVGD: "Class C0". The glutamine amino acid residue is found in multiple mammalian species, which suggests that this missense change does not adversely affect protein function. In summary, the available evidence is currently insufficient to determine the role of this variant in disease. Therefore, it has been classified as a Variant of Uncertain Significance.

NM_000246.4(CIITA):c.3290G>A (p.Arg1097Gln)

Gene: CIITA (class II major histocompatibility complex transactivator; plus strand). Cytogenetic location: 16p13.13.
Variant type: single nucleotide variant.
Coding change: c.3290G>A on transcript NM_000246.4 (MANE Select); coding-DNA position 3290, G replaced by A.
Protein change: p.Arg1097Gln; replaces arginine 1097 with glutamine.
Molecular consequence: missense variant. On other transcripts: non-coding transcript variant (1).
Genome position (GRCh38, 1-based): chr16:10,922,463, G>A. VCF-style: chr16-10922463-G-A. GRCh37 (hg19) VCF-style: chr16-11016320-G-A.
Other names: c.3293G>A, p.Arg1098Gln (NM_001286402.1, NM_001379332.1); c.1538G>A, p.Arg513Gln (NM_001286403.2); c.3146G>A, p.Arg1049Gln (NM_001379330.1); c.3143G>A, p.Arg1048Gln (NM_001379331.1); c.3290G>A, p.Arg1097Gln (NM_001379333.1); c.3221G>A, p.Arg1074Gln (NM_001379334.1); short protein forms R1048Q, R513Q, R1074Q, R1097Q, R1049Q, R1098Q.
Identifiers: ClinVar variation 1370683 (VCV001370683.5), dbSNP rs143260110, ClinGen allele CA7900764.